The following is an entry in ClinVar:

NC_000004.12:g.84683944dup

Gene: WDFY3 (WD repeat and FYVE domain containing 3; minus strand). Cytogenetic location: 4q21.23.
Variant type: Duplication.
Genome position: GRCh38 VCF-style: chr4-84683941-A-AC. GRCh37 (hg19) VCF-style: chr4-85605094-A-AC.
Identifiers: ClinVar variation 1194063 (VCV001194063.3), dbSNP rs2148797581, ClinGen allele CA2499217343.
Genomic context (GRCh38, chr4:84,683,941, plus strand): 5'-ACAAGTTTCTGGTAAACTAGGATGACAAATATCCTAATGAGTTTTTCTCTCAGTTCACTT[A>AC]CCCGAACCACTCCATCTGAGTGTCCTGTCACTATGACGTTCTGCGTGTCCCATTCGTTCA-3'

ClinVar aggregate classification (germline): Uncertain significance (1 of 4 stars; one submission).

Submission:

GeneDx
Classification: Uncertain significance. Last evaluated: 2020-08-21. Review status: criteria provided, single submitter. Criteria: GeneDx Variant Classification Process June 2021. Collection method: clinical testing. Allele origin: germline. Affected: yes.
Comment: Not observed in large population cohorts (Lek et al., 2016); Canonical splice site variant in a gene for which loss-of-function is not a known mechanism of disease; Has not been previously published as pathogenic or benign to our knowledge